The following is an entry in ClinVar:

ClinVar aggregate classification (germline): Likely pathogenic (1 of 4 stars; one submission).

Conditions:
Brody myopathy. Also called: BRODY DISEASE. Identifiers: Orphanet 53347, MedGen C1832918, MONDO:0010977, OMIM 601003.

Submission:

Labcorp Genetics (formerly Invitae), Labcorp
Classification: Likely pathogenic for Brody myopathy. Last evaluated: 2026-01-06. Review status: criteria provided, single submitter. Criteria: Invitae Variant Classification Sherloc (09022015). Collection method: clinical testing. Allele origin: germline.
Comment: This sequence change affects an acceptor splice site in intron 20 of the ATP2A1 gene. It is expected to disrupt RNA splicing. Variants that disrupt the donor or acceptor splice site typically lead to a loss of protein function (PMID: 16199547), and loss-of-function variants in ATP2A1 are known to be pathogenic (PMID: 8841193, 10914677, 23911890). This variant is not present in population databases (gnomAD no frequency). This variant has not been reported in the literature in individuals affected with ATP2A1-related conditions. Algorithms developed to predict the effect of sequence changes on RNA splicing suggest that this variant may disrupt the consensus splice site. In summary, the currently available evidence indicates that the variant is pathogenic, but additional data are needed to prove that conclusively. Therefore, this variant has been classified as Likely Pathogenic.

Literature cited by the submitters: PubMed 16199547; PubMed 8841193; PubMed 10914677; PubMed 23911890.

NM_004320.6(ATP2A1):c.2863-1G>A

Gene: ATP2A1 (ATPase sarcoplasmic/endoplasmic reticulum Ca2+ transporting 1; plus strand). Cytogenetic location: 16p11.2.
Variant type: single nucleotide variant.
Coding change: c.2863-1G>A on transcript NM_004320.6 (MANE Select); the canonical splice acceptor site of the intron before coding-DNA position 2863, G replaced by A.
Molecular consequence: splice acceptor variant.
Genome position (GRCh38, 1-based): chr16:28,903,322, G>A. VCF-style: chr16-28903322-G-A. GRCh37 (hg19) VCF-style: chr16-28914643-G-A.
Other names: c.2863-1G>A (NM_173201.5); c.2488-1G>A (NM_001286075.2).
Identifiers: ClinVar variation 4734481 (VCV004734481.1).